The following is an entry in ClinVar:

ClinVar aggregate classification (germline): Uncertain significance (1 of 4 stars; one submission).

Submission:

GeneDx
Classification: Uncertain significance. Last evaluated: 2026-03-31. Review status: criteria provided, single submitter. Criteria: GeneDx Variant Classification Process June 2021. Collection method: clinical testing. Allele origin: germline.
Comment: Not observed at significant frequency in large population cohorts (gnomAD); In silico analysis supports that this missense variant has a deleterious effect on protein structure/function; Has not been previously published as pathogenic or benign to our knowledge

NM_000808.4(GABRA3):c.632G>A (p.Ser211Asn)

Gene: GABRA3 (gamma-aminobutyric acid type A receptor subunit alpha3; minus strand). Cytogenetic location: Xq28.
Variant type: single nucleotide variant.
Coding change: c.632G>A on transcript NM_000808.4 (MANE Select); coding-DNA position 632, G replaced by A.
Protein change: p.Ser211Asn; replaces serine 211 with asparagine.
Molecular consequence: missense variant.
Genome position (GRCh38, 1-based): chrX:152,224,765, C>T on the plus strand (G>A on the coding strand, the complement: GABRA3 is on the minus strand). VCF-style: chrX-152224765-C-T. GRCh37 (hg19) VCF-style: chrX-151393237-C-T.
Other names: short protein forms S211N.
Identifiers: ClinVar variation 5017993 (VCV005017993.1).